The following is an entry in ClinVar:

NM_022436.3(ABCG5):c.112C>G (p.Leu38Val)

Gene: ABCG5 (ATP binding cassette subfamily G member 5; minus strand). Cytogenetic location: 2p21.
Variant type: single nucleotide variant.
Coding change: c.112C>G on transcript NM_022436.3 (MANE Select); coding-DNA position 112, C replaced by G.
Protein change: p.Leu38Val; replaces leucine 38 with valine.
Molecular consequence: missense variant.
Genome position (GRCh38, 1-based): chr2:43,838,568, G>C on the plus strand (C>G on the coding strand, the complement: ABCG5 is on the minus strand). VCF-style: chr2-43838568-G-C. GRCh37 (hg19) VCF-style: chr2-44065707-G-C.
Other names: c.112C>G (NM_022436.2); short protein forms L38V.
Identifiers: ClinVar variation 501610 (VCV000501610.16), dbSNP rs375829761, ClinGen allele CA1636800.

ClinVar aggregate classification (germline): Uncertain significance. Review status: criteria provided, multiple submitters, no conflicts (2 of 4 stars). 6 submissions from 6 submitters: Uncertain significance (6). Last evaluated 2026-03-15.

Conditions:
ABCG5-related disorder. Also called: ABCG5-related condition.
Sitosterolemia (STSL). Also called: PHYTOSTEROLEMIA. Identifiers: Orphanet 2882, MedGen C0342907, MONDO:0008863.
Sitosterolemia 2. Identifiers: MedGen C5231453, MONDO:0020748, OMIM 618666.
Cardiovascular phenotype. Identifiers: MedGen CN230736.

Allele frequency attached by ClinVar (database versions not stated): gnomAD exomes 0.00004; ExAC 0.00006; TOPMed 0.00006; ESP Exome Variant Server 0.00008; gnomAD 0.00009.
gnomAD v4.1: 22 of 1,608,314 alleles (0.0014%); highest among the groups gnomAD compares: Admixed American, 0.032%; no homozygotes.

Submissions (6):

PreventionGenetics, part of Exact Sciences
Classification: Uncertain significance for ABCG5-related condition. Last evaluated: 2026-03-15. Review status: criteria provided, single submitter. Criteria: ACMG Guidelines, 2015. Collection method: clinical testing. Allele origin: germline.
Comment: The ABCG5 c.112C>G variant is predicted to result in the amino acid substitution p.Leu38Val. To our knowledge, this variant has not been reported in the literature. This variant is reported in 0.018% of alleles in individuals of African descent in gnomAD. At this time, the clinical significance of this variant is uncertain due to the absence of conclusive functional and genetic evidence.

Labcorp Genetics (formerly Invitae), Labcorp
Classification: Uncertain significance for Sitosterolemia. Last evaluated: 2026-01-20. Review status: criteria provided, single submitter. Criteria: Invitae Variant Classification Sherloc (09022015). Collection method: clinical testing. Allele origin: germline.
Comment: This sequence change replaces leucine, which is neutral and non-polar, with valine, which is neutral and non-polar, at codon 38 of the ABCG5 protein (p.Leu38Val). This variant is present in population databases (rs375829761, gnomAD 0.02%). This variant has not been reported in the literature in individuals affected with ABCG5-related conditions. ClinVar contains an entry for this variant (Variation ID: 501610). An algorithm developed to predict the effect of missense changes on protein structure and function (PolyPhen-2) suggests that this variant is likely to be disruptive. In summary, the available evidence is currently insufficient to determine the role of this variant in disease. Therefore, it has been classified as a Variant of Uncertain Significance.

Revvity Omics, Revvity
Classification: Uncertain significance for Sitosterolemia 2. Last evaluated: 2024-09-03. Review status: criteria provided, single submitter. Criteria: ACMG Guidelines, 2015. Collection method: clinical testing. Allele origin: germline.

Ambry Genetics
Classification: Uncertain significance for Cardiovascular phenotype. Last evaluated: 2024-08-19. Review status: criteria provided, single submitter. Criteria: Ambry Variant Classification Scheme 2023. Collection method: clinical testing. Allele origin: germline.
Comment: The p.L38V variant (also known as c.112C>G), located in coding exon 1 of the ABCG5 gene, results from a C to G substitution at nucleotide position 112. The leucine at codon 38 is replaced by valine, an amino acid with highly similar properties. This amino acid position is conserved. In addition, this alteration is predicted to be tolerated by in silico analysis. Based on the available evidence, the clinical significance of this variant remains unclear.

Women's Health and Genetics/Laboratory Corporation of America, LabCorp
Classification: Uncertain significance. Last evaluated: 2023-08-07. Review status: criteria provided, single submitter. Criteria: LabCorp Variant Classification Summary - May 2015. Collection method: clinical testing. Allele origin: germline.

Eurofins Ntd Llc (ga)
Classification: Uncertain significance. Last evaluated: 2017-04-20. Review status: criteria provided, single submitter. Criteria: EGL Classification Definitions 2015. Collection method: clinical testing. Allele origin: germline. Observed: 2 variant alleles, 2 heterozygotes.